The following is an entry in ClinVar:

ClinVar aggregate classification (germline): Likely benign (1 of 4 stars; one submission).

Allele frequency attached by ClinVar (database versions not stated): 1000 Genomes Project 0.04153; 1000 Genomes Project 30x 0.04482; gnomAD 0.04975 and 0.05115; TOPMed 0.05505.
gnomAD v4.1: 7,569 of 152,138 alleles (5%); highest among the groups gnomAD compares: Admixed American, 13%; 275 homozygotes.

Submission:

GeneDx
Classification: Likely benign. Last evaluated: 2018-06-14. Review status: criteria provided, single submitter. Criteria: GeneDx Variant Classification (06012015). Collection method: clinical testing. Allele origin: germline. Affected: yes.
Comment: This variant is considered likely benign or benign based on one or more of the following criteria: it is a conservative change, it occurs at a poorly conserved position in the protein, it is predicted to be benign by multiple in silico algorithms, and/or has population frequency not consistent with disease.

NM_006231.4(POLE):c.6330+209A>G

Gene: POLE (DNA polymerase epsilon, catalytic subunit; minus strand). Cytogenetic location: 12q24.33.
Variant type: single nucleotide variant.
Coding change: c.6330+209A>G on transcript NM_006231.4 (MANE Select); 209 bases into the intron after coding-DNA position 6330, A replaced by G.
Molecular consequence: intron variant.
Genome position (GRCh38, 1-based): chr12:132,632,106, T>C on the plus strand (A>G on the coding strand, the complement: POLE is on the minus strand). VCF-style: chr12-132632106-T-C. GRCh37 (hg19) VCF-style: chr12-133208692-T-C.
Identifiers: ClinVar variation 679749 (VCV000679749.1), dbSNP rs5745029, ClinGen allele CA246292289.
Genomic context (GRCh38, chr12:132,632,106, plus strand): 5'-AACAAGTAACTTACACCTGCTCCTCACCTTGCACACGCTGGCACCCTGACCCTACACATG[T>C]AGGTACCTCCCCCTTGCACAGCTGAAAGCCTCATCCTGCATTCATTAACATCCTTACCAT-3'